The following is an entry in ClinVar:

ClinVar aggregate classification (germline): Uncertain significance (1 of 4 stars; one submission).

Conditions:
Arrhythmogenic right ventricular dysplasia 13. Also called: ARRHYTHMOGENIC RIGHT VENTRICULAR CARDIOMYOPATHY 13; Arrhythmogenic right ventricular dysplasia, familial, 13. Identifiers: MedGen C3810138, MONDO:0000908, OMIM 615616.

Submission:

Labcorp Genetics (formerly Invitae), Labcorp
Classification: Uncertain significance for Arrhythmogenic right ventricular dysplasia 13. Last evaluated: 2022-03-19. Review status: criteria provided, single submitter. Criteria: Invitae Variant Classification Sherloc (09022015). Collection method: clinical testing. Allele origin: germline.
Comment: In summary, the available evidence is currently insufficient to determine the role of this variant in disease. Therefore, it has been classified as a Variant of Uncertain Significance. Experimental studies and prediction algorithms are not available or were not evaluated, and the functional significance of this variant is currently unknown. This variant has not been reported in the literature in individuals affected with CTNNA3-related conditions. This variant results in a copy number gain of the genomic region encompassing exon(s) 10-13 of the CTNNA3 gene. While the exact position of this variant cannot be determined from the data, sub-genic copy number gains are generally in tandem (PMID: 25640679). This variant is predicted to be in-frame, and likely preserves the integrity of the reading frame.

Literature cited by the submitters: PubMed 25640679.

NC_000010.10:g.(?_68040208)_(68381562_?)dup

Genes: CTNNA3 (catenin alpha 3; minus strand), LOC126860948 (CDK7 strongly-dependent group 2 enhancer GRCh37_chr10:68197862-68199061; plus strand), LOC132089819 (Neanderthal introgressed variant-containing enhancer experimental_15354; plus strand), LOC132089820 (Neanderthal introgressed variant-containing enhancer experimental_15439; plus strand), LOC132089821 (Neanderthal introgressed variant-containing enhancer experimental_15446; plus strand). Cytogenetic location: 10q21.3.
Variant type: Duplication.
Identifiers: ClinVar variation 584233 (VCV000584233.10).